The following is an entry in ClinVar:

ClinVar aggregate classification (germline): Uncertain significance (1 of 4 stars; one submission).

Conditions:
PLXNA3-related disorder. Also called: PLXNA3-related condition.

Submission:

PreventionGenetics, part of Exact Sciences
Classification: Uncertain significance for PLXNA3-related condition. Last evaluated: 2026-03-14. Review status: criteria provided, single submitter. Criteria: ACMG Guidelines, 2015. Collection method: clinical testing. Allele origin: germline.
Comment: The PLXNA3 c.4843G>A variant is predicted to result in the amino acid substitution p.Ala1615Thr. To our knowledge, this variant has not been reported in the literature or in a large population database (gnomAD), indicating this variant is rare. At this time, the clinical significance of this variant is uncertain due to the absence of conclusive functional and genetic evidence.

NM_017514.5(PLXNA3):c.4843G>A (p.Ala1615Thr)

Gene: PLXNA3 (plexin A3; plus strand). Cytogenetic location: Xq28.
Variant type: single nucleotide variant.
Coding change: c.4843G>A on transcript NM_017514.5 (MANE Select); coding-DNA position 4843, G replaced by A.
Protein change: p.Ala1615Thr; replaces alanine 1615 with threonine.
Molecular consequence: missense variant.
Genome position (GRCh38, 1-based): chrX:154,470,024, G>A. VCF-style: chrX-154470024-G-A. GRCh37 (hg19) VCF-style: chrX-153698367-G-A.
Other names: short protein forms A1615T.
Identifiers: ClinVar variation 4986931 (VCV004986931.1).